The following is an entry in ClinVar:

NM_001927.4(DES):c.706A>G (p.Ile236Val)

Gene: DES (desmin; plus strand). Cytogenetic location: 2q35.
Variant type: single nucleotide variant.
Coding change: c.706A>G on transcript NM_001927.4 (MANE Select); coding-DNA position 706, A replaced by G.
Protein change: p.Ile236Val; replaces isoleucine 236 with valine.
Molecular consequence: missense variant. On other transcripts: intron variant (1).
Genome position (GRCh38, 1-based): chr2:219,420,317, A>G. VCF-style: chr2-219420317-A-G. GRCh37 (hg19) VCF-style: chr2-220285039-A-G.
Other names: c.703A>G, p.Ile235Val (NM_001382708.1); c.706A>G, p.Ile236Val (NM_001382709.1, NM_001382710.1, NM_001382711.1 and 1 more transcripts); c.496-208A>G (NM_001382713.1); short protein forms I236V, I235V.
Identifiers: ClinVar variation 4793193 (VCV004793193.2).

ClinVar aggregate classification (germline): Uncertain significance. Review status: criteria provided, multiple submitters, no conflicts (2 of 4 stars). 2 submissions from 2 submitters: Uncertain significance (2). Last evaluated 2026-02-13.

Conditions:
Desmin-related myofibrillar myopathy (MFM1). Also called: Myofibrillar myopathy 1; Desminopathy; Desmin related myopathy (former name); Desmin storage myopathy (former name); MYOFIBRILLAR MYOPATHY WITH ARRHYTHMOGENIC RIGHT VENTRICULAR CARDIOMYOPATHY; DESMIN-RELATED MYOPATHY WITH ARRHYTHMOGENIC RIGHT VENTRICULAR CARDIOMYOPATHY. Identifiers: Orphanet 363543, Orphanet 98909, MedGen C1832370, MONDO:0011076, OMIM 601419.
Cardiovascular phenotype. Identifiers: MedGen CN230736.

gnomAD v4.1: 23 of 1,614,082 alleles (0.0014%); highest among the groups gnomAD compares: Non-Finnish European, 0.0019%; no homozygotes.

Submissions (2):

Ambry Genetics
Classification: Uncertain significance for Cardiovascular phenotype. Last evaluated: 2026-02-13. Review status: criteria provided, single submitter. Criteria: Ambry Variant Classification Scheme 2023. Collection method: clinical testing. Allele origin: germline.
Comment: The p.I236V variant (also known as c.706A>G), located in coding exon 3 of the DES gene, results from an A to G substitution at nucleotide position 706. The isoleucine at codon 236 is replaced by valine, an amino acid with highly similar properties. This amino acid position is conserved. In addition, the in silico prediction for this alteration is inconclusive. Based on the available evidence, the clinical significance of this variant remains unclear.

Labcorp Genetics (formerly Invitae), Labcorp
Classification: Uncertain significance for Desmin-related myofibrillar myopathy. Last evaluated: 2025-11-19. Review status: criteria provided, single submitter. Criteria: Invitae Variant Classification Sherloc (09022015). Collection method: clinical testing. Allele origin: germline.
Comment: This sequence change replaces isoleucine, which is neutral and non-polar, with valine, which is neutral and non-polar, at codon 236 of the DES protein (p.Ile236Val). This variant is not present in population databases (gnomAD no frequency). This variant has not been reported in the literature in individuals affected with DES-related conditions. Invitae Evidence Modeling of protein sequence and biophysical properties (such as structural, functional, and spatial information, amino acid conservation, physicochemical variation, residue mobility, and thermodynamic stability) has been performed for this missense variant. However, the output from this modeling did not meet the statistical confidence thresholds required to predict the impact of this variant on DES protein function. In summary, the available evidence is currently insufficient to determine the role of this variant in disease. Therefore, it has been classified as a Variant of Uncertain Significance.